The following is an entry in ClinVar:

NM_015629.4(PRPF31):c.*19G>A

Gene: PRPF31 (pre-mRNA processing factor 31; plus strand). Cytogenetic location: 19q13.42.
Variant type: single nucleotide variant.
Coding change: c.*19G>A on transcript NM_015629.4 (MANE Select); 19 bases downstream of the stop codon, G replaced by A.
Molecular consequence: 3 prime UTR variant.
Genome position (GRCh38, 1-based): chr19:54,131,451, G>A. VCF-style: chr19-54131451-G-A. GRCh37 (hg19) VCF-style: chr19-54634882-G-A.
Identifiers: ClinVar variation 330112 (VCV000330112.5), dbSNP rs116685547, ClinGen allele CA309332435.

ClinVar aggregate classification (germline): Benign (1 of 4 stars; one submission).

Conditions:
Retinitis pigmentosa (RP). Identifiers: Orphanet 791, MedGen C0035334, MeSH D012174, MONDO:0019200, OMIM 268000. Inheritance: Autosomal dominant, autosomal recessive and X linked inheritance.

Allele frequency attached by ClinVar (database versions not stated): gnomAD exomes 0.00111 and 0.00261; ExAC 0.00329; gnomAD 0.00975 and 0.01038; 1000 Genomes Project 0.01018; 1000 Genomes Project 30x 0.01077; TOPMed 0.01085; ESP Exome Variant Server 0.01261.

Submission:

Illumina Laboratory Services, Illumina
Classification: Benign for Retinitis pigmentosa. Last evaluated: 2018-01-12. Review status: criteria provided, single submitter. Criteria: ICSL Variant Classification Criteria 13 December 2019. Collection method: clinical testing. Allele origin: germline.
Comment: This variant was observed in the ICSL laboratory as part of a predisposition screen in an ostensibly healthy population. It had not been previously curated by ICSL or reported in the Human Gene Mutation Database (HGMD: prior to June 1st, 2018), and was therefore a candidate for classification through an automated scoring system. Utilizing variant allele frequency, disease prevalence and penetrance estimates, and inheritance mode, an automated score was calculated to assess if this variant is too frequent to cause the disease. Based on the score and internal cut-off values, a variant classified as benign is not then subjected to further curation. The score for this variant resulted in a classification of benign for this disease.